The following is an entry in ClinVar:

ClinVar aggregate classification (germline): Uncertain significance. Review status: criteria provided, multiple submitters, no conflicts (2 of 4 stars). 2 submissions from 2 submitters: Uncertain significance (2). Last evaluated 2024-09-10.

Conditions:
Tatton-Brown-Rahman overgrowth syndrome. Also called: Tatton-Brown-Rahman syndrome; Tall stature-intellectual disability-facial dysmorphism syndrome. Identifiers: Orphanet 404443, MedGen C4014545, MONDO:0014382, OMIM 615879.

gnomAD v4.1: 2 of 1,613,882 alleles (0.00012%); highest among the groups gnomAD compares: African/African-American, 0.0013%; no homozygotes.

Submissions (2):

Labcorp Genetics (formerly Invitae), Labcorp
Classification: Uncertain significance for Tatton-Brown-Rahman overgrowth syndrome. Last evaluated: 2024-09-10. Review status: criteria provided, single submitter. Criteria: Invitae Variant Classification Sherloc (09022015). Collection method: clinical testing. Allele origin: germline.
Comment: This sequence change replaces arginine, which is basic and polar, with glutamine, which is neutral and polar, at codon 676 of the DNMT3A protein (p.Arg676Gln). This variant is not present in population databases (gnomAD no frequency). This variant has not been reported in the literature in individuals affected with DNMT3A-related conditions. ClinVar contains an entry for this variant (Variation ID: 1317174). Invitae Evidence Modeling of protein sequence and biophysical properties (such as structural, functional, and spatial information, amino acid conservation, physicochemical variation, residue mobility, and thermodynamic stability) indicates that this missense variant is not expected to disrupt DNMT3A protein function with a negative predictive value of 80%. In summary, the available evidence is currently insufficient to determine the role of this variant in disease. Therefore, it has been classified as a Variant of Uncertain Significance.

GeneDx
Classification: Uncertain significance. Last evaluated: 2019-07-26. Review status: criteria provided, single submitter. Criteria: GeneDx Variant Classification Process June 2021. Collection method: clinical testing. Allele origin: germline. Affected: yes.
Comment: In silico analysis, which includes protein predictors and evolutionary conservation, supports that this variant does not alter protein structure/function; Has not been previously published as pathogenic or benign to our knowledge; No data available from control populations to assess the frequency of this variant

NM_022552.5(DNMT3A):c.2027G>A (p.Arg676Gln)

Gene: DNMT3A (DNA methyltransferase 3 alpha; minus strand). Cytogenetic location: 2p23.3.
Variant type: single nucleotide variant.
Coding change: c.2027G>A on transcript NM_022552.5 (MANE Select); coding-DNA position 2027, G replaced by A.
Protein change: p.Arg676Gln; replaces arginine 676 with glutamine.
Molecular consequence: missense variant. On other transcripts: non-coding transcript variant (1).
Genome position (GRCh38, 1-based): chr2:25,241,617, C>T on the plus strand (G>A on the coding strand, the complement: DNMT3A is on the minus strand). VCF-style: chr2-25241617-C-T. GRCh37 (hg19) VCF-style: chr2-25464486-C-T.
Other names: c.1571G>A, p.Arg524Gln (NM_001320893.1); c.1358G>A, p.Arg453Gln (NM_001375819.1); c.1460G>A, p.Arg487Gln (NM_153759.3); c.2027G>A, p.Arg676Gln (NM_175629.2); short protein forms R453Q, R487Q, R524Q, R676Q.
Identifiers: ClinVar variation 1317174 (VCV001317174.4), dbSNP rs769539104, ClinGen allele CA1555795.
Genomic context (GRCh38, chr2:25,241,617, plus strand): 5'-CATACATGCTTCTGTGTGACGCTGCGGACGTCCCCGACGTACATGATCTTCCCCTGGTGC[C>T]GCACCATGCCCACCGTGATGGAGTCCTCACACACCTCCGAGGCAATGTAGCGGTCCACCT-3'
Protein context (NP_072046.2, residues 666-686): CEDSITVGMV[Arg676Gln]HQGKIMYVGD